The following is an entry in ClinVar:

NM_000368.5(TSC1):c.3152C>A (p.Pro1051His)

Gene: TSC1 (TSC complex subunit 1; minus strand). Cytogenetic location: 9q34.13.
Variant type: single nucleotide variant.
Coding change: c.3152C>A on transcript NM_000368.5 (MANE Select); coding-DNA position 3152, C replaced by A.
Protein change: p.Pro1051His; replaces proline 1051 with histidine.
Molecular consequence: missense variant.
Genome position (GRCh38, 1-based): chr9:132,896,578, G>T on the plus strand (C>A on the coding strand, the complement: TSC1 is on the minus strand). VCF-style: chr9-132896578-G-T. GRCh37 (hg19) VCF-style: chr9-135771965-G-T.
Other names: c.3149C>A, p.Pro1050His (NM_001162426.2); c.2999C>A, p.Pro1000His (NM_001162427.2); c.2789C>A, p.Pro930His (NM_001362177.2); short protein forms P1050H, P930H, P1000H, P1051H.
Identifiers: ClinVar variation 823007 (VCV000823007.4), dbSNP rs1588287285, ClinGen allele CA375367229.
Genomic context (GRCh38, chr9:132,896,578, plus strand): 5'-GACGCTTCTCCCATAGTCGTCTCCCACCGACTGCTGAATGGGCCTGCCCTCTGGTGTGGG[G>T]GTTTCTCTGGGGTAGAAAGCTCGCTGCTGCTGCTGCTGCTGCCTCCACCACCTCTGCTTC-3'
Protein context (NP_000359.1, residues 1041-1061): SSSELSTPEK[Pro1051His]PHQRAGPFSS

ClinVar aggregate classification (germline): Uncertain significance (1 of 4 stars; one submission).

Conditions:
Hereditary cancer-predisposing syndrome. Also called: Tumor predisposition; Hereditary Cancer Syndrome; Neoplastic Syndromes, Hereditary; Hereditary neoplastic syndrome. Identifiers: Orphanet 140162, MedGen C0027672, MeSH D009386, MONDO:0015356.

Submission:

Ambry Genetics
Classification: Uncertain significance for Hereditary cancer-predisposing syndrome. Last evaluated: 2019-03-01. Review status: criteria provided, single submitter. Criteria: Ambry Variant Classification Scheme 2023. Collection method: clinical testing. Allele origin: germline.
Comment: The p.P1051H variant (also known as c.3152C>A), located in coding exon 21 of the TSC1 gene, results from a C to A substitution at nucleotide position 3152. The proline at codon 1051 is replaced by histidine, an amino acid with similar properties. This amino acid position is not well conserved in available vertebrate species. In addition, this alteration is predicted to be tolerated by in silico analysis. Since supporting evidence is limited at this time, the clinical significance of this alteration remains unclear.